The following is an entry in ClinVar:

ClinVar aggregate classification (germline): Uncertain significance (1 of 4 stars; one submission).

Conditions:
3-methylcrotonyl-CoA carboxylase 2 deficiency. Also called: METHYLCROTONYLGLYCINURIA, TYPE II; 3 alpha methylcrotonyl-CoA carboxylase 2 deficiency; 3 alpha methylcrotonylglycinuria 2; MCC 2 deficiency; Methylcrotonylglycinuria type 2. Identifiers: Orphanet 6, MedGen C1859499, MONDO:0008862, OMIM 210210.

Allele frequency attached by ClinVar (database versions not stated): gnomAD exomes below 0.00001.
gnomAD v4.1: 3 of 1,612,992 alleles (0.00019%); highest among the groups gnomAD compares: Non-Finnish European, 0.00025%; no homozygotes.

Submission:

Labcorp Genetics (formerly Invitae), Labcorp
Classification: Uncertain significance for 3-methylcrotonyl-CoA carboxylase 2 deficiency. Last evaluated: 2022-06-28. Review status: criteria provided, single submitter. Criteria: Invitae Variant Classification Sherloc (09022015). Collection method: clinical testing. Allele origin: germline.
Comment: In summary, the available evidence is currently insufficient to determine the role of this variant in disease. Therefore, it has been classified as a Variant of Uncertain Significance. Advanced modeling of protein sequence and biophysical properties (such as structural, functional, and spatial information, amino acid conservation, physicochemical variation, residue mobility, and thermodynamic stability) performed at Invitae indicates that this missense variant is not expected to disrupt MCCC2 protein function. This variant has not been reported in the literature in individuals affected with MCCC2-related conditions. This variant is not present in population databases (gnomAD no frequency). This sequence change replaces alanine, which is neutral and non-polar, with valine, which is neutral and non-polar, at codon 51 of the MCCC2 protein (p.Ala51Val).

NM_022132.5(MCCC2):c.152C>T (p.Ala51Val)

Gene: MCCC2 (methylcrotonyl-CoA carboxylase subunit 2; plus strand). Cytogenetic location: 5q13.2.
Variant type: single nucleotide variant.
Coding change: c.152C>T on transcript NM_022132.5 (MANE Select); coding-DNA position 152, C replaced by T.
Protein change: p.Ala51Val; replaces alanine 51 with valine.
Molecular consequence: missense variant.
Genome position (GRCh38, 1-based): chr5:71,592,948, C>T. VCF-style: chr5-71592948-C-T. GRCh37 (hg19) VCF-style: chr5-70888775-C-T.
Other names: c.152C>T, p.Ala51Val (NM_001363147.1); short protein forms A51V.
Identifiers: ClinVar variation 1953287 (VCV001953287.5), dbSNP rs2530700839, ClinGen allele CA360004829.